The following is an entry in ClinVar:

NM_001127649.3(PEX26):c.77G>T (p.Arg26Leu)

Gene: PEX26 (peroxisomal biogenesis factor 26; plus strand). Cytogenetic location: 22q11.21.
Variant type: single nucleotide variant.
Coding change: c.77G>T on transcript NM_001127649.3 (MANE Select); coding-DNA position 77, G replaced by T.
Protein change: p.Arg26Leu; replaces arginine 26 with leucine.
Molecular consequence: missense variant.
Genome position (GRCh38, 1-based): chr22:18,078,453, G>T. VCF-style: chr22-18078453-G-T. GRCh37 (hg19) VCF-style: chr22-18561219-G-T.
Other names: c.77G>T, p.Arg26Leu (NM_001199319.2, NM_017929.6); short protein forms R26L.
Identifiers: ClinVar variation 1522042 (VCV001522042.3), dbSNP rs770555305, ClinGen allele CA410264385.

ClinVar aggregate classification (germline): Uncertain significance (1 of 4 stars; one submission).

Conditions:
Peroxisome biogenesis disorder 7A (Zellweger). Also called: Peroxisome biogenesis disorder 7A. Identifiers: Orphanet 912, MedGen C3888385, MONDO:0013938, OMIM 614872.
Peroxisome biogenesis disorder 7B (PBD7B). Identifiers: Orphanet 44, MedGen C3553951, MONDO:0013939, OMIM 614873.

gnomAD v4.1: 5 of 1,577,650 alleles (0.00032%); highest among the groups gnomAD compares: Non-Finnish European, 0.00043%; no homozygotes.

Submission:

Labcorp Genetics (formerly Invitae), Labcorp
Classification: Uncertain significance for Peroxisome biogenesis disorder 7A (Zellweger); Peroxisome biogenesis disorder 7B. Last evaluated: 2021-11-01. Review status: criteria provided, single submitter. Criteria: Invitae Variant Classification Sherloc (09022015). Collection method: clinical testing. Allele origin: germline.
Comment: This sequence change replaces arginine, which is basic and polar, with leucine, which is neutral and non-polar, at codon 26 of the PEX26 protein (p.Arg26Leu). This variant is not present in population databases (gnomAD no frequency). This variant has not been reported in the literature in individuals affected with PEX26-related conditions. Algorithms developed to predict the effect of missense changes on protein structure and function (SIFT, PolyPhen-2, Align-GVGD) all suggest that this variant is likely to be tolerated. In summary, the available evidence is currently insufficient to determine the role of this variant in disease. Therefore, it has been classified as a Variant of Uncertain Significance.